The following is an entry in ClinVar:

ClinVar aggregate classification (germline): Uncertain significance (1 of 4 stars; one submission).

Conditions:
Combined oxidative phosphorylation defect type 14. Also called: Combined oxidative phosphorylation deficiency 14. Identifiers: Orphanet 319519, MedGen C4755312, MONDO:0013986, OMIM 614946.

gnomAD v4.1: 2 of 1,613,984 alleles (0.00012%); highest among the groups gnomAD compares: Non-Finnish European, 0.00017%; no homozygotes.

Submission:

Labcorp Genetics (formerly Invitae), Labcorp
Classification: Uncertain significance for Combined oxidative phosphorylation defect type 14. Last evaluated: 2025-08-21. Review status: criteria provided, single submitter. Criteria: Invitae Variant Classification Sherloc (09022015). Collection method: clinical testing. Allele origin: germline.
Comment: This sequence change replaces aspartic acid, which is acidic and polar, with glutamic acid, which is acidic and polar, at codon 61 of the FARS2 protein (p.Asp61Glu). This variant is present in population databases (no rsID available, gnomAD 0.007%). This variant has not been reported in the literature in individuals affected with FARS2-related conditions. ClinVar contains an entry for this variant (Variation ID: 1021309). Invitae Evidence Modeling of protein sequence and biophysical properties (such as structural, functional, and spatial information, amino acid conservation, physicochemical variation, residue mobility, and thermodynamic stability) indicates that this missense variant is expected to disrupt FARS2 protein function with a positive predictive value of 95%. In summary, the available evidence is currently insufficient to determine the role of this variant in disease. Therefore, it has been classified as a Variant of Uncertain Significance.

NM_006567.5(FARS2):c.183C>G (p.Asp61Glu)

Genes: FARS2 (phenylalanyl-tRNA synthetase 2, mitochondrial; plus strand), LOC126859565 (CDK7 strongly-dependent group 2 enhancer GRCh37_chr6:5368745-5369944; plus strand). Cytogenetic location: 6p25.1.
Variant type: single nucleotide variant.
Coding change: c.183C>G on transcript NM_006567.5 (MANE Select); coding-DNA position 183, C replaced by G.
Protein change: p.Asp61Glu; replaces aspartic acid 61 with glutamic acid.
Molecular consequence: missense variant. On other transcripts: intron variant (2).
Genome position (GRCh38, 1-based): chr6:5,368,753, C>G. VCF-style: chr6-5368753-C-G. GRCh37 (hg19) VCF-style: chr6-5368986-C-G.
Other names: c.183C>G, p.Asp61Glu (NM_001318872.2, NM_001374875.1, NM_001374876.1 and 5 more transcripts); c.-340-27880C>G (NM_001375260.1); c.-84-35789C>G (NM_001375259.1); short protein forms D61E.
Identifiers: ClinVar variation 1021309 (VCV001021309.9), dbSNP rs73718082, ClinGen allele CA134301514.
Genomic context (GRCh38, chr6:5,368,753, plus strand): 5'-TGCCACCCAAAGAGCTCCAGGCAGTGTGGTGGAGCTGCTGGGCAAATCCTACCCTCAGGA[C>G]GACCACAGCAACCTCACCCGGAAGGTCCTCACCAGAGTTGGCAGGAACCTGCACAACCAG-3'
Protein context (NP_006558.1, residues 51-71): VELLGKSYPQ[Asp61Glu]DHSNLTRKVL